The following is an entry in ClinVar:

NM_153006.3(NAGS):c.427-218A>C

Gene: NAGS (N-acetylglutamate synthase; plus strand). Cytogenetic location: 17q21.31.
Variant type: single nucleotide variant.
Coding change: c.427-218A>C on transcript NM_153006.3 (MANE Select); 218 bases into the intron before coding-DNA position 427, A replaced by C.
Molecular consequence: intron variant.
Genome position (GRCh38, 1-based): chr17:44,005,419, A>C. VCF-style: chr17-44005419-A-C. GRCh37 (hg19) VCF-style: chr17-42082787-A-C.
Other names: c.427-218A>C (NM_153006.2).
Identifiers: ClinVar variation 1937056 (VCV001937056.8), dbSNP rs886507459, ClinGen allele CA290903366.

ClinVar aggregate classification (germline): Conflicting classifications of pathogenicity. Review status: criteria provided, conflicting classifications (1 of 4 stars). 2 submissions from 2 submitters: Uncertain significance (1); Likely benign (1). Last evaluated 2025-12-16.

Conditions:
Hyperammonemia, type III (NAGSD). Also called: Hyperammonemia due to N-acetylglutamate synthase deficiency. Identifiers: Orphanet 927, MedGen C0268543, MONDO:0009377, OMIM 237310.

Allele frequency attached by ClinVar (database versions not stated): TOPMed below 0.00001; gnomAD 0.00001.
gnomAD v4.1: 1 of 152,200 alleles (0.00066%); no homozygotes.

Submissions (2):

Labcorp Genetics (formerly Invitae), Labcorp
Classification: Likely benign for Hyperammonemia, type III. Last evaluated: 2025-12-16. Review status: criteria provided, single submitter. Criteria: Invitae Variant Classification Sherloc (09022015). Collection method: clinical testing. Allele origin: germline.

Women's Health and Genetics/Laboratory Corporation of America, LabCorp
Classification: Uncertain significance. Last evaluated: 2025-01-09. Review status: criteria provided, single submitter. Criteria: LabCorp Variant Classification Summary - May 2015. Collection method: clinical testing. Allele origin: germline.
Comment: Variant summary: NAGS c.427-218A>C is located at a position not widely known to affect splicing. 4/4 computational tools predict no significant impact on normal splicing. However, these predictions have yet to be confirmed by functional studies. The variant allele was found at a frequency of 3.2e-05 in 31384 control chromosomes (gnomAD). The available data on variant occurrences in the general population are insufficient to allow any conclusion about variant significance. c.427-218A>C has been reported in the literature in at least one compound heterozygous individual affected with N-acetylglutamate synthase deficiency (Makris_2020, Hberle_2021). These data do not allow any conclusion about variant significance. At least one publication reports that this variant impacts protein function (Hberle_2021). The following publications have been ascertained in the context of this evaluation (PMID: 34510628, 33309754). One ClinVar submitter (evaluation after 2014) cites this variant as likely benign. Based on the evidence outlined above, the variant was classified as uncertain significance.

Literature cited by the submitters: PubMed 33309754 (cited by Women's Health and Genetics/Laboratory Corporation of America, LabCorp); PubMed 34510628 (cited by Women's Health and Genetics/Laboratory Corporation of America, LabCorp).